The following is an entry in ClinVar:

NM_001292063.2(OTOG):c.8451C>T (p.Cys2817=)

Gene: OTOG (otogelin; plus strand). Cytogenetic location: 11p15.1.
Variant type: single nucleotide variant.
Coding change: c.8451C>T on transcript NM_001292063.2 (MANE Select); coding-DNA position 8451, C replaced by T.
Protein change: p.Cys2817=; no amino-acid change (cysteine 2817 retained).
Molecular consequence: synonymous variant.
Genome position (GRCh38, 1-based): chr11:17,643,496, C>T. VCF-style: chr11-17643496-C-T. GRCh37 (hg19) VCF-style: chr11-17665043-C-T.
Other names: c.8487C>T, p.Cys2829= (NM_001277269.2).
Identifiers: ClinVar variation 4693876 (VCV004693876.1).
Genomic context (GRCh38, chr11:17,643,496, plus strand): 5'-ACCTCCCCCGACTTCCTCTCTCTAGGTTGGGGGTTCCGTGGTACCTTCCTTGGAAGGATG[C>T]TGCAGGACCTGTGAGTGAGCATGGTGGGGGCCCAGGGGTGGGGGGCTCTGATGGGGGCAC-3'
Protein context (NP_001278992.1, residues 2807-2827): GGSVVPSLEG[Cys2817=]CRTCKEDGRS

ClinVar aggregate classification (germline): Uncertain significance (1 of 4 stars; one submission).

gnomAD v4.1: 2 of 1,451,958 alleles (0.00014%); highest among the groups gnomAD compares: South Asian, 0.0014%; no homozygotes.

Submission:

Labcorp Genetics (formerly Invitae), Labcorp
Classification: Uncertain significance. Last evaluated: 2025-12-18. Review status: criteria provided, single submitter. Criteria: Invitae Variant Classification Sherloc (09022015). Collection method: clinical testing. Allele origin: germline.
Comment: This sequence change affects codon 2829 of the OTOG mRNA. It is a 'silent' change, meaning that it does not change the encoded amino acid sequence of the OTOG protein. This variant is not present in population databases (gnomAD no frequency). This variant has not been reported in the literature in individuals affected with OTOG-related conditions. Algorithms developed to predict the effect of sequence changes on RNA splicing suggest that this variant may disrupt the consensus splice site. In summary, the available evidence is currently insufficient to determine the role of this variant in disease. Therefore, it has been classified as a Variant of Uncertain Significance.